The following is an entry in ClinVar:

ClinVar aggregate classification (germline): Pathogenic. Review status: criteria provided, multiple submitters, no conflicts (2 of 4 stars). 2 submissions from 2 submitters: Pathogenic (2). Last evaluated 2024-03-07.

Conditions:
Mitochondrial complex I deficiency, nuclear type 10. Also called: Mitochondrial complex 1 deficiency, nuclear type 10. Identifiers: MedGen C4748768, MONDO:0032616, OMIM 618233.

Allele frequency attached by ClinVar (database versions not stated): gnomAD exomes below 0.00001; gnomAD 0.00001.

Submissions (2):

Labcorp Genetics (formerly Invitae), Labcorp
Classification: Pathogenic. Last evaluated: 2024-03-07. Review status: criteria provided, single submitter. Criteria: Invitae Variant Classification Sherloc (09022015). Collection method: clinical testing. Allele origin: germline.
Comment: This sequence change creates a premature translational stop signal (p.Tyr62Metfs*28) in the NDUFAF2 gene. While this is not anticipated to result in nonsense mediated decay, it is expected to disrupt the last 108 amino acid(s) of the NDUFAF2 protein. This variant is present in population databases (no rsID available, gnomAD 0.003%). This variant has not been reported in the literature in individuals affected with NDUFAF2-related conditions. ClinVar contains an entry for this variant (Variation ID: 1323336). This variant disrupts a region of the NDUFAF2 protein in which other variant(s) (p.Trp74*) have been determined to be pathogenic (PMID: 20818383, 34234304). This suggests that this is a clinically significant region of the protein, and that variants that disrupt it are likely to be disease-causing. For these reasons, this variant has been classified as Pathogenic.

Revvity Omics, Revvity
Classification: Pathogenic for Mitochondrial complex I deficiency, nuclear type 10. Last evaluated: 2019-10-16. Review status: criteria provided, single submitter. Criteria: ACMG Guidelines, 2015. Collection method: clinical testing. Allele origin: germline.

Literature cited by the submitters: PubMed 20818383 (cited by Labcorp Genetics (formerly Invitae), Labcorp); PubMed 34234304 (cited by Labcorp Genetics (formerly Invitae), Labcorp).

NM_174889.5(NDUFAF2):c.184del (p.Tyr62fs)

Gene: NDUFAF2 (NADH:ubiquinone oxidoreductase complex assembly factor 2; plus strand). Cytogenetic location: 5q12.1.
Variant type: Deletion.
Coding change: c.184del on transcript NM_174889.5 (MANE Select); coding-DNA position 184, one base deleted (T; older notation c.184delT).
Protein change: p.Tyr62fs; shifts the reading frame from tyrosine 62.
Molecular consequence: frameshift variant.
Genome position (GRCh38, 1-based): chr5:61,073,181, T deleted. VCF-style (leftmost placement, unchanged base first): chr5-61073180-CT-C. GRCh37 (hg19) VCF-style: chr5-60369007-CT-C.
Other names: short protein forms Y62fs.
Identifiers: ClinVar variation 1323336 (VCV001323336.6), dbSNP rs1561557254, ClinGen allele CA559975611.